The following is an entry in ClinVar:

NM_015213.4(DENND5A):c.2359G>T (p.Val787Leu)

Gene: DENND5A (DENN domain containing 5A; minus strand). Cytogenetic location: 11p15.4.
Variant type: single nucleotide variant.
Coding change: c.2359G>T on transcript NM_015213.4 (MANE Select); coding-DNA position 2359, G replaced by T.
Protein change: p.Val787Leu; replaces valine 787 with leucine.
Molecular consequence: missense variant. On other transcripts: non-coding transcript variant (1).
Genome position (GRCh38, 1-based): chr11:9,160,790, C>A on the plus strand (G>T on the coding strand, the complement: DENND5A is on the minus strand). VCF-style: chr11-9160790-C-A. GRCh37 (hg19) VCF-style: chr11-9182337-C-A.
Other names: c.2359G>T, p.Val787Leu (NM_001243254.2, NM_001348748.1); c.2287G>T, p.Val763Leu (NM_001348749.2); c.2071G>T, p.Val691Leu (NM_001348750.2); c.2359G>T (NM_015213.3); short protein forms V691L, V763L, V787L.
Identifiers: ClinVar variation 2419371 (VCV002419371.4), dbSNP rs369036752, ClinGen allele CA5877361.

ClinVar aggregate classification (germline): Uncertain significance. Review status: criteria provided, multiple submitters, no conflicts (2 of 4 stars). 2 submissions from 2 submitters: Uncertain significance (2). Last evaluated 2025-06-19.

Conditions:
Inborn genetic diseases. Identifiers: MedGen C0950123, MeSH D030342.

Allele frequency attached by ClinVar (database versions not stated): ExAC 0.00002; gnomAD 0.00002; TOPMed 0.00002; gnomAD exomes 0.00005; ESP Exome Variant Server 0.00008.
gnomAD v4.1: 71 of 1,614,002 alleles (0.0044%); highest among the groups gnomAD compares: Non-Finnish European, 0.0056%; no homozygotes.

Submissions (2):

Ambry Genetics
Classification: Uncertain significance for Inborn genetic diseases. Last evaluated: 2025-06-19. Review status: criteria provided, single submitter. Criteria: Ambry Variant Classification Scheme 2023. Collection method: clinical testing. Allele origin: germline.

Labcorp Genetics (formerly Invitae), Labcorp
Classification: Uncertain significance. Last evaluated: 2022-03-24. Review status: criteria provided, single submitter. Criteria: Invitae Variant Classification Sherloc (09022015). Collection method: clinical testing. Allele origin: germline.
Comment: This sequence change replaces valine, which is neutral and non-polar, with leucine, which is neutral and non-polar, at codon 787 of the DENND5A protein (p.Val787Leu). This variant is present in population databases (rs369036752, gnomAD 0.003%). This variant has not been reported in the literature in individuals affected with DENND5A-related conditions. Algorithms developed to predict the effect of missense changes on protein structure and function are either unavailable or do not agree on the potential impact of this missense change (SIFT: "Deleterious"; PolyPhen-2: "Benign"; Align-GVGD: "Class C0"). In summary, the available evidence is currently insufficient to determine the role of this variant in disease. Therefore, it has been classified as a Variant of Uncertain Significance.